The following is an entry in ClinVar:

NM_000702.4(ATP1A2):c.1965-214A>C

Gene: ATP1A2 (ATPase Na+/K+ transporting subunit alpha 2; plus strand). Cytogenetic location: 1q23.2.
Variant type: single nucleotide variant.
Coding change: c.1965-214A>C on transcript NM_000702.4 (MANE Select); 214 bases into the intron before coding-DNA position 1965, A replaced by C.
Molecular consequence: intron variant.
Genome position (GRCh38, 1-based): chr1:160,134,931, A>C. VCF-style: chr1-160134931-A-C. GRCh37 (hg19) VCF-style: chr1-160104721-A-C.
Identifiers: ClinVar variation 680007 (VCV000680007.1), dbSNP rs72706621, ClinGen allele CA31500763.
Genomic context (GRCh38, chr1:160,134,931, plus strand): 5'-CTCCACTGCTGTAGGAGTGGGATGTGAGTAAAGAAACTAGCCCAGGGCCTAGCAAACTGC[A>C]CTTACAACTGCGATGATCCCATGGTGAGGATTTAGACTCACATTCTCAAAGAGAAATGGG-3'

ClinVar aggregate classification (germline): Benign (1 of 4 stars; one submission).

Allele frequency attached by ClinVar (database versions not stated): 1000 Genomes Project 30x 0.08245; 1000 Genomes Project 0.08347; TOPMed 0.08504; gnomAD 0.08627 and 0.08649.
gnomAD v4.1: 13,212 of 152,266 alleles (8.7%); highest among the groups gnomAD compares: East Asian, 14%; 701 homozygotes.

Submission:

GeneDx
Classification: Benign. Last evaluated: 2018-06-14. Review status: criteria provided, single submitter. Criteria: GeneDx Variant Classification (06012015). Collection method: clinical testing. Allele origin: germline. Affected: yes.
Comment: This variant is considered likely benign or benign based on one or more of the following criteria: it is a conservative change, it occurs at a poorly conserved position in the protein, it is predicted to be benign by multiple in silico algorithms, and/or has population frequency not consistent with disease.